The following is an entry in ClinVar:

ClinVar aggregate classification (germline): Likely benign (1 of 4 stars; one submission).

Conditions:
WDPCP-related disorder. Also called: WDPCP-related condition.

Submission:

PreventionGenetics, part of Exact Sciences
Classification: Likely benign for WDPCP-related condition. Last evaluated: 2025-01-29. Review status: criteria provided, single submitter. Criteria: ACMG Guidelines, 2015. Collection method: clinical testing. Allele origin: germline.
Comment: This variant is classified as likely benign based on ACMG/AMP sequence variant interpretation guidelines (Richards et al. 2015 PMID: 25741868, with internal and published modifications).

NM_015910.7(WDPCP):c.1305C>T (p.Ser435=)

Gene: WDPCP (WD repeat containing planar cell polarity effector; minus strand). Cytogenetic location: 2p15.
Variant type: single nucleotide variant.
Coding change: c.1305C>T on transcript NM_015910.7 (MANE Select); coding-DNA position 1305, C replaced by T.
Protein change: p.Ser435=; no amino-acid change (serine 435 retained).
Molecular consequence: synonymous variant. On other transcripts: non-coding transcript variant (3).
Genome position (GRCh38, 1-based): chr2:63,404,178, G>A on the plus strand (C>T on the coding strand, the complement: WDPCP is on the minus strand). VCF-style: chr2-63404178-G-A. GRCh37 (hg19) VCF-style: chr2-63631313-G-A.
Other names: c.828C>T, p.Ser276= (NM_001042692.3); c.1233C>T, p.Ser411= (NM_001354044.2); c.1305C>T, p.Ser435= (NM_001354045.2).
Identifiers: ClinVar variation 5001565 (VCV005001565.1).